The following is an entry in ClinVar:

ClinVar aggregate classification (germline): Benign/Likely benign. Review status: criteria provided, multiple submitters, no conflicts (2 of 4 stars). 9 submissions from 9 submitters: Benign (1); Likely benign (7). 1 of the submissions does not count toward it. Last evaluated 2025-12-03.

Conditions:
KIF1A-related disorder. Also called: KIF1A-related disorders; KIF1A-related condition.
Hereditary spastic paraplegia 30. Identifiers: Orphanet 101010, MedGen C5235139, MONDO:0012476.
Neuropathy, hereditary sensory, type 2C. Also called: Hereditary sensory and autonomic neuropathy type IIC; KIF1A-Related HSAN2 (HSAN2C). Identifiers: Orphanet 970, MedGen C3280168, MONDO:0013634, OMIM 614213.
Intellectual disability, autosomal dominant 9 (NESCAVS). Also called: KIF1A-Related Neurodevelopmental Disorder; NESCAV SYNDROME. Identifiers: Orphanet 662367, MedGen C5393830, MONDO:0013656, OMIM 614255.
Hereditary spastic paraplegia. Also called: Familial spastic paraparesis. Identifiers: Orphanet 685, MedGen C0037773, MONDO:0019064. Disease mechanism: loss of function.
Inborn genetic diseases. Identifiers: MedGen C0950123, MeSH D030342.

Allele frequency attached by ClinVar (database versions not stated): gnomAD 0.00008 and 0.00009; gnomAD exomes 0.00011 and 0.00017; TOPMed 0.00012; ExAC 0.00013; 1000 Genomes Project 30x 0.00016; 1000 Genomes Project 0.00020.
gnomAD v4.1: 166 of 1,612,246 alleles (0.01%); highest among the groups gnomAD compares: South Asian, 0.044%; no homozygotes.

Submissions (9):

Labcorp Genetics (formerly Invitae), Labcorp
Classification: Likely benign for Hereditary spastic paraplegia 30; Neuropathy, hereditary sensory, type 2C; Intellectual disability, autosomal dominant 9. Last evaluated: 2025-12-03. Review status: criteria provided, single submitter. Criteria: Invitae Variant Classification Sherloc (09022015). Collection method: clinical testing. Allele origin: germline.

Blueprint Genetics
Classification: Likely benign. Last evaluated: 2024-11-25. Review status: criteria provided, single submitter. Criteria: ACMG Guidelines, 2015. Collection method: clinical testing. Allele origin: germline.

CeGaT Center for Human Genetics Tuebingen
Classification: Likely benign. Last evaluated: 2024-05-01. Review status: criteria provided, single submitter. Criteria: CeGaT Center For Human Genetics Tuebingen Variant Classification Criteria Version 2. Collection method: clinical testing. Allele origin: germline. Affected: yes. Observed: 4 variant alleles.
Comment: KIF1A: BP4, BP7

GeneDx
Classification: Likely benign. Last evaluated: 2020-04-03. Review status: criteria provided, single submitter. Criteria: GeneDx Variant Classification Process June 2021. Collection method: clinical testing. Allele origin: germline. Affected: yes.

Genome Diagnostics Laboratory, The Hospital for Sick Children
Classification: Likely benign for Hereditary spastic paraplegia. Last evaluated: 2019-11-01. Review status: criteria provided, single submitter. Criteria: ACMG Guidelines, 2015. Collection method: clinical testing. Allele origin: germline. Affected: yes.

Athena Diagnostics
Classification: Benign. Last evaluated: 2019-08-07. Review status: criteria provided, single submitter. Criteria: Athena Diagnostics Criteria. Collection method: clinical testing. Allele origin: germline.

Ambry Genetics
Classification: Likely benign for Inborn genetic diseases. Last evaluated: 2017-01-31. Review status: criteria provided, single submitter. Criteria: Ambry Variant Classification Scheme 2023. Collection method: clinical testing. Allele origin: germline.

Genetic Services Laboratory, University of Chicago
Classification: Likely benign. Last evaluated: 2016-08-22. Review status: criteria provided, single submitter. Criteria: ACMG Guidelines, 2015. Collection method: clinical testing. Allele origin: germline. Affected: no.

PreventionGenetics, part of Exact Sciences
Classification: Likely benign for KIF1A-related condition. Last evaluated: 2019-09-10. Review status: no assertion criteria provided. Collection method: clinical testing. Allele origin: germline. Not counted in ClinVar's aggregate classification.
Comment: This variant is classified as likely benign based on ACMG/AMP sequence variant interpretation guidelines (Richards et al. 2015 PMID: 25741868, with internal and published modifications).

NM_001244008.2(KIF1A):c.5070G>A (p.Thr1690=)

Gene: KIF1A (kinesin family member 1A; minus strand). Cytogenetic location: 2q37.3.
Variant type: single nucleotide variant.
Coding change: c.5070G>A on transcript NM_001244008.2 (MANE Select); coding-DNA position 5070, G replaced by A.
Protein change: p.Thr1690=; no amino-acid change (threonine 1690 retained).
Molecular consequence: synonymous variant.
Genome position (GRCh38, 1-based): chr2:240,719,150, C>T on the plus strand (G>A on the coding strand, the complement: KIF1A is on the minus strand). VCF-style: chr2-240719150-C-T. GRCh37 (hg19) VCF-style: chr2-241658567-C-T.
Other names: c.4794G>A, p.Thr1598= (NM_001320705.2, NM_001379649.1); c.4821G>A, p.Thr1607= (NM_001330289.2); c.4869G>A, p.Thr1623= (NM_001330290.2, NM_001379648.1); c.5145G>A, p.Thr1715= (NM_001379631.1); c.5046G>A, p.Thr1682= (NM_001379632.1); c.5043G>A, p.Thr1681= (NM_001379633.1, NM_001379645.1); c.4896G>A, p.Thr1632= (NM_001379634.1); c.4893G>A, p.Thr1631= (NM_001379635.1, NM_001379646.1); and 7 more.
Identifiers: ClinVar variation 435620 (VCV000435620.53), dbSNP rs201733233, ClinGen allele CA2207182.
Genomic context (GRCh38, chr2:240,719,150, plus strand): 5'-GCTGTTGTACATGTAGGCATAGGGGCGCCGCACCACCACGAAGCGCCTGGCCCAGCCTGA[C>T]GTGTGCGGCTCCAGGAAGTGCAGGTACCCCTTCTTGGAAACGATCGGGCTGAAGGCAGAG-3'
Protein context (NP_001230937.1, residues 1680-1700): KGYLHFLEPH[Thr1690=]SGWARRFVVV